The following is an entry in ClinVar:

NM_001244710.2(GFPT1):c.1501G>A (p.Val501Ile)

Gene: GFPT1 (glutamine--fructose-6-phosphate transaminase 1; minus strand). Cytogenetic location: 2p13.3.
Variant type: single nucleotide variant.
Coding change: c.1501G>A on transcript NM_001244710.2 (MANE Select); coding-DNA position 1501, G replaced by A.
Protein change: p.Val501Ile; replaces valine 501 with isoleucine.
Molecular consequence: missense variant.
Genome position (GRCh38, 1-based): chr2:69,329,780, C>T on the plus strand (G>A on the coding strand, the complement: GFPT1 is on the minus strand). VCF-style: chr2-69329780-C-T. GRCh37 (hg19) VCF-style: chr2-69556912-C-T.
Other names: c.1447G>A, p.Val483Ile (NM_002056.4); short protein forms V483I, V501I.
Identifiers: ClinVar variation 1364030 (VCV001364030.8), dbSNP rs1279403583, ClinGen allele CA347423003.

ClinVar aggregate classification (germline): Uncertain significance (1 of 4 stars; one submission).

Conditions:
Congenital myasthenic syndrome 12 (CMS12). Also called: MYASTHENIC SYNDROME, CONGENITAL, WITH TUBULAR AGGREGATES 1; Myasthenia, congenital, 12, with tubular aggregates. Identifiers: Orphanet 353327, Orphanet 590, MedGen C3552335, MONDO:0012518, OMIM 610542.

Allele frequency attached by ClinVar (database versions not stated): gnomAD exomes below 0.00001; gnomAD 0.00001; TOPMed 0.00002.
gnomAD v4.1: 5 of 1,603,552 alleles (0.00031%); highest among the groups gnomAD compares: Admixed American, 0.0017%; no homozygotes.

Submission:

Labcorp Genetics (formerly Invitae), Labcorp
Classification: Uncertain significance for Congenital myasthenic syndrome 12. Last evaluated: 2024-05-06. Review status: criteria provided, single submitter. Criteria: Invitae Variant Classification Sherloc (09022015). Collection method: clinical testing. Allele origin: germline.
Comment: This sequence change replaces valine, which is neutral and non-polar, with isoleucine, which is neutral and non-polar, at codon 501 of the GFPT1 protein (p.Val501Ile). This variant is present in population databases (no rsID available, gnomAD 0.003%). This missense change has been observed in individual(s) with clinical features of congenital myasthenic syndrome (PMID: 32403337). ClinVar contains an entry for this variant (Variation ID: 1364030). Advanced modeling of protein sequence and biophysical properties (such as structural, functional, and spatial information, amino acid conservation, physicochemical variation, residue mobility, and thermodynamic stability) performed at Invitae indicates that this missense variant is not expected to disrupt GFPT1 protein function with a negative predictive value of 80%. In summary, the available evidence is currently insufficient to determine the role of this variant in disease. Therefore, it has been classified as a Variant of Uncertain Significance.

Literature cited by the submitters: PubMed 32403337.